The following is an entry in ClinVar:

ClinVar aggregate classification (germline): Uncertain significance (1 of 4 stars; one submission).

Submission:

Labcorp Genetics (formerly Invitae), Labcorp
Classification: Uncertain significance. Last evaluated: 2023-12-03. Review status: criteria provided, single submitter. Criteria: Invitae Variant Classification Sherloc (09022015). Collection method: clinical testing. Allele origin: germline.
Comment: This sequence change replaces phenylalanine, which is neutral and non-polar, with leucine, which is neutral and non-polar, at codon 598 of the RECQL protein (p.Phe598Leu). This variant is not present in population databases (gnomAD no frequency). This variant has not been reported in the literature in individuals affected with RECQL-related conditions. Advanced modeling of protein sequence and biophysical properties (such as structural, functional, and spatial information, amino acid conservation, physicochemical variation, residue mobility, and thermodynamic stability) performed at Invitae indicates that this missense variant is not expected to disrupt RECQL protein function with a negative predictive value of 80%. In summary, the available evidence is currently insufficient to determine the role of this variant in disease. Therefore, it has been classified as a Variant of Uncertain Significance.

NM_002907.4(RECQL):c.1792T>C (p.Phe598Leu)

Genes: PYROXD1 (pyridine nucleotide-disulphide oxidoreductase domain 1; plus strand), RECQL (RecQ like helicase; minus strand). Cytogenetic location: 12p12.1.
Variant type: single nucleotide variant.
Coding change: c.1792T>C on transcript NM_002907.4 (MANE Select); coding-DNA position 1792, T replaced by C.
Protein change: p.Phe598Leu; replaces phenylalanine 598 with leucine.
Molecular consequence: missense variant. On other transcripts: 3 prime UTR variant (3).
Genome position (GRCh38, 1-based): chr12:21,470,974, A>G on the plus strand (T>C on the coding strand, the complement: RECQL is on the minus strand). VCF-style: chr12-21470974-A-G. GRCh37 (hg19) VCF-style: chr12-21623908-A-G.
Other names: c.1792T>C, p.Phe598Leu (NM_032941.3); c.*2220A>G (NM_001350912.2, NM_001350913.2, NM_024854.5); short protein forms F598L.
Identifiers: ClinVar variation 2879971 (VCV002879971.3), dbSNP rs2540313008, ClinGen allele CA384114319.